The following is an entry in ClinVar:

NM_144997.7(FLCN):c.1193G>A (p.Gly398Asp)

Gene: FLCN (folliculin; minus strand). Cytogenetic location: 17p11.2.
Variant type: single nucleotide variant.
Coding change: c.1193G>A on transcript NM_144997.7 (MANE Select); coding-DNA position 1193, G replaced by A.
Protein change: p.Gly398Asp; replaces glycine 398 with aspartic acid.
Molecular consequence: missense variant.
Genome position (GRCh38, 1-based): chr17:17,216,487, C>T on the plus strand (G>A on the coding strand, the complement: FLCN is on the minus strand). VCF-style: chr17-17216487-C-T. GRCh37 (hg19) VCF-style: chr17-17119801-C-T.
Other names: c.1247G>A, p.Gly416Asp (NM_001353229.2); c.1193G>A, p.Gly398Asp (NM_001353230.2, NM_001353231.2); short protein forms G416D, G398D.
Identifiers: ClinVar variation 3699485 (VCV003699485.2).

ClinVar aggregate classification (germline): Uncertain significance (1 of 4 stars; one submission).

Conditions:
Birt-Hogg-Dube syndrome. Also called: Birt Hogg Dubé syndrome. Identifiers: Orphanet 122, MedGen C0346010, MONDO:0800444.

Submission:

Labcorp Genetics (formerly Invitae), Labcorp
Classification: Uncertain significance for Birt-Hogg-Dube syndrome. Last evaluated: 2024-04-04. Review status: criteria provided, single submitter. Criteria: Invitae Variant Classification Sherloc (09022015). Collection method: clinical testing. Allele origin: germline.
Comment: This sequence change replaces glycine, which is neutral and non-polar, with aspartic acid, which is acidic and polar, at codon 398 of the FLCN protein (p.Gly398Asp). This variant is not present in population databases (gnomAD no frequency). This variant has not been reported in the literature in individuals affected with FLCN-related conditions. Advanced modeling of protein sequence and biophysical properties (such as structural, functional, and spatial information, amino acid conservation, physicochemical variation, residue mobility, and thermodynamic stability) performed at Invitae indicates that this missense variant is not expected to disrupt FLCN protein function with a negative predictive value of 80%. In summary, the available evidence is currently insufficient to determine the role of this variant in disease. Therefore, it has been classified as a Variant of Uncertain Significance.